The following is an entry in ClinVar:

ClinVar aggregate classification (germline): Uncertain significance. Review status: criteria provided, multiple submitters, no conflicts (2 of 4 stars). 2 submissions from 2 submitters: Uncertain significance (2). Last evaluated 2024-10-03.

Submissions (2):

Blueprint Genetics
Classification: Uncertain significance. Last evaluated: 2024-10-03. Review status: criteria provided, single submitter. Criteria: ACMG Guidelines, 2015. Collection method: clinical testing. Allele origin: germline.

Labcorp Genetics (formerly Invitae), Labcorp
Classification: Uncertain significance. Last evaluated: 2024-05-29. Review status: criteria provided, single submitter. Criteria: Invitae Variant Classification Sherloc (09022015). Collection method: clinical testing. Allele origin: germline.
Comment: This variant, c.38_43dup, results in the insertion of 2 amino acid(s) of the P3H2 protein (p.Leu13_Leu14dup), but otherwise preserves the integrity of the reading frame. This variant is present in population databases (rs748164416, gnomAD 0.03%). This variant has not been reported in the literature in individuals affected with P3H2-related conditions. ClinVar contains an entry for this variant (Variation ID: 858316). Experimental studies and prediction algorithms are not available or were not evaluated, and the functional significance of this variant is currently unknown. In summary, the available evidence is currently insufficient to determine the role of this variant in disease. Therefore, it has been classified as a Variant of Uncertain Significance.

NM_018192.4(P3H2):c.29TGC[7] (p.Leu13_Leu14dup)

Genes: P3H2 (prolyl 3-hydroxylase 2; minus strand), LOC123464484 (Sharpr-MPRA regulatory region 10063; plus strand). Cytogenetic location: 3q28.
Variant type: Microsatellite.
Coding change: c.29TGC[7] on transcript NM_018192.4 (MANE Select); seven copies in a row of the 3-base unit TGC starting at c.29; the reference has five copies in a row; two copies, 6 bases duplicated.
Protein change: p.Leu13_Leu14dup.
Molecular consequence: inframe insertion. On other transcripts: intron variant (1).
Genome position (GRCh38, 1-based): chr3:190,120,689-190,120,694, GCAGCA duplicated on the plus strand (TGCTGC on the coding strand, the reverse complement: P3H2 is on the minus strand); duplicating any 6 consecutive bases within chr3:190,120,689-190,120,705 gives the same sequence; the position shown is the placement nearest the transcript's 3' end. VCF-style (leftmost placement, unchanged base first): chr3-190120688-G-GGCAGCA. GRCh37 (hg19) VCF-style: chr3-189838477-G-GGCAGCA.
Other names: c.-64+1500TGC[7] (NM_001134418.2).
Identifiers: ClinVar variation 858316 (VCV000858316.6), dbSNP rs748164416, ClinGen allele CA2753450.